The following is an entry in ClinVar:

ClinVar aggregate classification (germline): Uncertain significance. Review status: criteria provided, multiple submitters, no conflicts (2 of 4 stars). 3 submissions from 3 submitters: Uncertain significance (3). Last evaluated 2022-07-19.

Conditions:
Pierson syndrome. Also called: MICROCORIA-CONGENITAL NEPHROTIC SYNDROME. Identifiers: Orphanet 2670, MedGen C1836876, MONDO:0012184, OMIM 609049.
LAMB2-related infantile-onset nephrotic syndrome. Also called: NEPHROTIC SYNDROME, TYPE 5, WITHOUT OCULAR ABNORMALITIES; NEPHROTIC SYNDROME, TYPE 5, WITH OCULAR ABNORMALITIES; Nephrotic Syndrome, type 5. Identifiers: Orphanet 306507, MedGen C3280113, MONDO:0013621, OMIM 614199.

Allele frequency attached by ClinVar (database versions not stated): gnomAD exomes below 0.00001 and 0.00001; ExAC 0.00001; TOPMed 0.00002.

Submissions (4):

Labcorp Genetics (formerly Invitae), Labcorp
Classification: Uncertain significance for LAMB2-related infantile-onset nephrotic syndrome; Pierson syndrome. Last evaluated: 2022-07-19. Review status: criteria provided, single submitter. Criteria: Invitae Variant Classification Sherloc (09022015). Collection method: clinical testing. Allele origin: germline.
Comment: This sequence change replaces glutamic acid, which is acidic and polar, with glycine, which is neutral and non-polar, at codon 291 of the LAMB2 protein (p.Glu291Gly). This variant is present in population databases (rs757452525, gnomAD 0.01%). This variant has not been reported in the literature in individuals affected with LAMB2-related conditions. ClinVar contains an entry for this variant (Variation ID: 1026941). Algorithms developed to predict the effect of missense changes on protein structure and function (SIFT, PolyPhen-2, Align-GVGD) all suggest that this variant is likely to be disruptive. Algorithms developed to predict the effect of sequence changes on RNA splicing suggest that this variant may create or strengthen a splice site. In summary, the available evidence is currently insufficient to determine the role of this variant in disease. Therefore, it has been classified as a Variant of Uncertain Significance.

Fulgent Genetics
Classification: Uncertain significance for Pierson syndrome; LAMB2-related infantile-onset nephrotic syndrome. Last evaluated: 2021-12-10. Review status: criteria provided, single submitter. Criteria: ACMG Guidelines, 2015. Collection method: clinical testing. Allele origin: unknown.

GeneDx
Classification: Uncertain significance. Last evaluated: 2019-04-16. Review status: criteria provided, single submitter. Criteria: GeneDx Variant Classification Process June 2021. Collection method: clinical testing. Allele origin: germline. Affected: yes.
Comment: In silico analysis, which includes protein predictors and evolutionary conservation, supports a deleterious effect; Has not been previously published as pathogenic or benign to our knowledge

Dr. Peter K. Rogan Lab, Western University
No classification provided (evidence only). Condition: Cervical cancer. Review status: no classification provided. Collection method: in vitro. Allele origin: not applicable. Functional consequence: retained intron. Not counted in ClinVar's aggregate classification.

NM_002292.4(LAMB2):c.872A>G (p.Glu291Gly)

Gene: LAMB2 (laminin subunit beta 2; minus strand). Cytogenetic location: 3p21.31.
Variant type: single nucleotide variant.
Coding change: c.872A>G on transcript NM_002292.4 (MANE Select); coding-DNA position 872, A replaced by G.
Protein change: p.Glu291Gly; replaces glutamic acid 291 with glycine.
Molecular consequence: missense variant.
Genome position (GRCh38, 1-based): chr3:49,130,993, T>C on the plus strand (A>G on the coding strand, the complement: LAMB2 is on the minus strand). VCF-style: chr3-49130993-T-C. GRCh37 (hg19) VCF-style: chr3-49168426-T-C.
Other names: short protein forms E291G.
Identifiers: ClinVar variation 1026941 (VCV001026941.6), dbSNP rs757452525, ClinGen allele CA2394782.